The following is an entry in ClinVar:

ClinVar aggregate classification (germline): Uncertain significance. Review status: criteria provided, multiple submitters, no conflicts (2 of 4 stars). 2 submissions from 2 submitters: Uncertain significance (2). Last evaluated 2025-10-01.

Conditions:
Hereditary cancer-predisposing syndrome. Also called: Tumor predisposition; Hereditary neoplastic syndrome; Neoplastic Syndromes, Hereditary; Hereditary Cancer Syndrome. Identifiers: Orphanet 140162, MedGen C0027672, MeSH D009386, MONDO:0015356.
Oligodontia-cancer predisposition syndrome. Also called: TOOTH AGENESIS-COLORECTAL CANCER SYNDROME. Identifiers: Orphanet 300576, MedGen C1837750, MONDO:0012075, OMIM 608615. Disease mechanism: loss of function.

Submissions (2):

Labcorp Genetics (formerly Invitae), Labcorp
Classification: Uncertain significance for Oligodontia-cancer predisposition syndrome. Last evaluated: 2025-10-01. Review status: criteria provided, single submitter. Criteria: Invitae Variant Classification Sherloc (09022015). Collection method: clinical testing. Allele origin: germline.
Comment: This sequence change replaces cysteine, which is neutral and slightly polar, with phenylalanine, which is neutral and non-polar, at codon 716 of the AXIN2 protein (p.Cys716Phe). This variant is not present in population databases (gnomAD no frequency). This variant has not been reported in the literature in individuals affected with AXIN2-related conditions. ClinVar contains an entry for this variant (Variation ID: 861869). An algorithm developed to predict the effect of missense changes on protein structure and function (PolyPhen-2) suggests that this variant is likely to be disruptive. In summary, the available evidence is currently insufficient to determine the role of this variant in disease. Therefore, it has been classified as a Variant of Uncertain Significance.

Ambry Genetics
Classification: Uncertain significance for Hereditary cancer-predisposing syndrome. Last evaluated: 2025-04-12. Review status: criteria provided, single submitter. Criteria: Ambry Variant Classification Scheme 2023. Collection method: clinical testing. Allele origin: germline.
Comment: The p.C716F variant (also known as c.2147G>T), located in coding exon 8 of the AXIN2 gene, results from a G to T substitution at nucleotide position 2147. The cysteine at codon 716 is replaced by phenylalanine, an amino acid with highly dissimilar properties. This amino acid position is conserved. In addition, the in silico prediction for this alteration is inconclusive. Based on the available evidence, the clinical significance of this variant remains unclear.

NM_004655.4(AXIN2):c.2147G>T (p.Cys716Phe)

Gene: AXIN2 (axin 2; minus strand). Cytogenetic location: 17q24.1.
Variant type: single nucleotide variant.
Coding change: c.2147G>T on transcript NM_004655.4 (MANE Select); coding-DNA position 2147, G replaced by T.
Protein change: p.Cys716Phe; replaces cysteine 716 with phenylalanine.
Molecular consequence: missense variant.
Genome position (GRCh38, 1-based): chr17:65,535,716, C>A on the plus strand (G>T on the coding strand, the complement: AXIN2 is on the minus strand). VCF-style: chr17-65535716-C-A. GRCh37 (hg19) VCF-style: chr17-63531834-C-A.
Other names: c.1952G>T, p.Cys651Phe (NM_001363813.1); short protein forms C651F, C716F.
Identifiers: ClinVar variation 861869 (VCV000861869.10), dbSNP rs2043901014, ClinGen allele CA400675876.